The following is an entry in ClinVar:

NM_001042492.3(NF1):c.3908del (p.Pro1303fs)

Gene: NF1 (neurofibromin 1; plus strand). Cytogenetic location: 17q11.2.
Variant type: Deletion.
Coding change: c.3908del on transcript NM_001042492.3 (MANE Select); coding-DNA position 3908, one base deleted (C; older notation c.3908delC).
Protein change: p.Pro1303fs; shifts the reading frame from proline 1303.
Molecular consequence: frameshift variant.
Genome position (GRCh38, 1-based): chr17:31,235,955, C deleted; the last of 2 consecutive C bases (chr17:31,235,954-31,235,955); deleting either gives the same sequence. VCF-style (leftmost placement, unchanged base first): chr17-31235953-TC-T. GRCh37 (hg19) VCF-style: chr17-29562971-TC-T.
Other names: c.3908delC, p.Pro1303Leufs (NM_000267.4); short protein forms P1303fs.
Identifiers: ClinVar variation 1918168 (VCV001918168.5), dbSNP rs2508264293, ClinGen allele CA2580093110.

ClinVar aggregate classification (germline): Pathogenic (1 of 4 stars; one submission).

Conditions:
Neurofibromatosis, type 1 (NF1). Also called: Peripheral type neurofibromatosis; Neurofibromatosis, type I; NEUROFIBROMATOSIS, TYPE I, SOMATIC; VON RECKLINGHAUSEN DISEASE. Identifiers: Orphanet 636, MedGen C0027831, MONDO:0018975, OMIM 162200. Disease mechanism: loss of function.

Submission:

Labcorp Genetics (formerly Invitae), Labcorp
Classification: Pathogenic for Neurofibromatosis, type 1. Last evaluated: 2022-05-02. Review status: criteria provided, single submitter. Criteria: Invitae Variant Classification Sherloc (09022015). Collection method: clinical testing. Allele origin: germline.
Comment: For these reasons, this variant has been classified as Pathogenic. This premature translational stop signal has been observed in individual(s) with neurofibromatosis, type 1 (PMID: 31573083). This variant is not present in population databases (gnomAD no frequency). This sequence change creates a premature translational stop signal (p.Pro1303Leufs*6) in the NF1 gene. It is expected to result in an absent or disrupted protein product. Loss-of-function variants in NF1 are known to be pathogenic (PMID: 10712197, 23913538).

Literature cited by the submitters: PubMed 31573083; PubMed 10712197; PubMed 23913538.